The following is an entry in ClinVar:

NM_001032.5(RPS29):c.162+4G>T

Gene: RPS29 (ribosomal protein S29; minus strand). Cytogenetic location: 14q21.3.
Variant type: single nucleotide variant.
Coding change: c.162+4G>T on transcript NM_001032.5 (MANE Select); 4 bases into the intron after coding-DNA position 162, G replaced by T.
Molecular consequence: intron variant.
Genome position (GRCh38, 1-based): chr14:49,585,946, C>A on the plus strand (G>T on the coding strand, the complement: RPS29 is on the minus strand). VCF-style: chr14-49585946-C-A. GRCh37 (hg19) VCF-style: chr14-50052664-C-A.
Other names: c.162+4G>T (NM_001030001.4); c.153+4G>T (NM_001351375.2).
Identifiers: ClinVar variation 1020787 (VCV001020787.6), dbSNP rs368111062, ClinGen allele CA261248412.

ClinVar aggregate classification (germline): Uncertain significance (1 of 4 stars; one submission).

Allele frequency attached by ClinVar (database versions not stated): TOPMed 0.00001.

Submission:

Labcorp Genetics (formerly Invitae), Labcorp
Classification: Uncertain significance. Last evaluated: 2020-09-08. Review status: criteria provided, single submitter. Criteria: Invitae Variant Classification Sherloc (09022015). Collection method: clinical testing. Allele origin: germline.
Comment: Nucleotide substitutions within the consensus splice site are a relatively common cause of aberrant splicing (PMID: 17576681, 9536098). Algorithms developed to predict the effect of sequence changes on RNA splicing suggest that this variant is not likely to affect RNA splicing, but this prediction has not been confirmed by published transcriptional studies. This variant has not been reported in the literature in individuals with RPS29-related conditions. This variant is not present in population databases (ExAC no frequency). This sequence change falls in intron 2 of the RPS29 gene. It does not directly change the encoded amino acid sequence of the RPS29 protein, but it affects a nucleotide within the consensus splice site of the intron. In summary, the available evidence is currently insufficient to determine the role of this variant in disease. Therefore, it has been classified as a Variant of Uncertain Significance.

Literature cited by the submitters: PubMed 17576681; PubMed 9536098.